The following is an entry in ClinVar:

ClinVar aggregate classification (germline): Likely pathogenic (1 of 4 stars; one submission).

Conditions:
Hemiplegic migraine-developmental and epileptic encephalopathy spectrum. Identifiers: MedGen CN377181, MONDO:0100539.

Submission:

Victorian Clinical Genetics Services, Murdoch Childrens Research Institute
Classification: Likely pathogenic for Hemiplegic migraine-developmental and epileptic encephalopathy spectrum. Last evaluated: 2025-05-07. Review status: criteria provided, single submitter. Criteria: ACMG Guidelines, 2015. Collection method: clinical testing. Allele origin: germline. Affected: yes.
Comment: This variant is classified as Likely pathogenic. Evidence in support of pathogenic classification: Variant is absent from gnomAD (v2, v3 and v4); Missense variant predicted to be damaging by in silico tool(s) or highly conserved with a major amino acid change; Additional information: Variant is predicted to result in a missense amino acid change from aspartic acid to valine; This variant is heterozygous; This gene is associated with both recessive and dominant disease. However, the genotype-phenotype correlation is currently unestablished (PMID: 19455354, 33880529); This variant has no previous evidence of pathogenicity; No published segregation evidence has been identified for this variant; No published functional evidence has been identified for this variant; No comparable missense variants have previous evidence for pathogenicity; Variant is located in the annotated cation transporting ATPase, C-terminus domain (DECIPHER); Loss of function is a known mechanism of disease in this gene and is associated with autosomal recessive fetal akinesia, respiratory insufficiency, microcephaly, polymicrogyria, and dysmorphic facies (MIM#619602). While functional studies have demonstrated loss of function for variants associated with autosomal dominant alternating hemiplegia of childhood 1 (MIM#104290), familial basilar migraine, (MIM#602481), familial hemiplegic migraine 2 (MIM#602481) and developmental and epileptic encephalopathy 98 (MIM#619605), dominant negative has not been definitively ruled out (PMID: 27445835, 33880529).

Literature cited by the submitters: PubMed 27445835; PubMed 19455354; PubMed 33880529.

NM_000702.4(ATP1A2):c.2789A>T (p.Asp930Val)

Gene: ATP1A2 (ATPase Na+/K+ transporting subunit alpha 2; plus strand). Cytogenetic location: 1q23.2.
Variant type: single nucleotide variant.
Coding change: c.2789A>T on transcript NM_000702.4 (MANE Select); coding-DNA position 2789, A replaced by T.
Protein change: p.Asp930Val; replaces aspartic acid 930 with valine.
Molecular consequence: missense variant.
Genome position (GRCh38, 1-based): chr1:160,136,980, A>T. VCF-style: chr1-160136980-A-T. GRCh37 (hg19) VCF-style: chr1-160106770-A-T.
Other names: short protein forms D930V.
Identifiers: ClinVar variation 4532042 (VCV004532042.1).